The following is an entry in ClinVar:

ClinVar aggregate classification (germline): Uncertain significance (1 of 4 stars; one submission).

Submission:

Labcorp Genetics (formerly Invitae), Labcorp
Classification: Uncertain significance. Last evaluated: 2022-02-24. Review status: criteria provided, single submitter. Criteria: Invitae Variant Classification Sherloc (09022015). Collection method: clinical testing. Allele origin: germline.
Comment: This variant has not been reported in the literature in individuals affected with PRDM13-related conditions. This variant is not present in population databases (gnomAD no frequency). In summary, the available evidence is currently insufficient to determine the role of this variant in disease. Therefore, it has been classified as a Variant of Uncertain Significance. Algorithms developed to predict the effect of missense changes on protein structure and function are either unavailable or do not agree on the potential impact of this missense change (SIFT: "Deleterious"; PolyPhen-2: "Possibly Damaging"; Align-GVGD: "Class C0"). ClinVar contains an entry for this variant (Variation ID: 1038780). This sequence change replaces arginine, which is basic and polar, with serine, which is neutral and polar, at codon 23 of the PRDM13 protein (p.Arg23Ser).

NM_021620.4(PRDM13):c.67C>A (p.Arg23Ser)

Gene: PRDM13 (PR/SET domain 13; plus strand). Cytogenetic location: 6q16.2.
Variant type: single nucleotide variant.
Coding change: c.67C>A on transcript NM_021620.4 (MANE Select); coding-DNA position 67, C replaced by A.
Protein change: p.Arg23Ser; replaces arginine 23 with serine.
Molecular consequence: missense variant.
Genome position (GRCh38, 1-based): chr6:99,607,101, C>A. VCF-style: chr6-99607101-C-A. GRCh37 (hg19) VCF-style: chr6-100054977-C-A.
Other names: short protein forms R23S.
Identifiers: ClinVar variation 1038780 (VCV001038780.8), dbSNP rs754296408, ClinGen allele CA365113162.